The following is an entry in ClinVar:

NM_006516.4(SLC2A1):c.680-3C>G

Gene: SLC2A1 (solute carrier family 2 member 1; minus strand). Cytogenetic location: 1p34.2.
Variant type: single nucleotide variant.
Coding change: c.680-3C>G on transcript NM_006516.4 (MANE Select); 3 bases into the intron before coding-DNA position 680, C replaced by G.
Molecular consequence: intron variant.
Genome position (GRCh38, 1-based): chr1:42,929,783, G>C on the plus strand (C>G on the coding strand, the complement: SLC2A1 is on the minus strand). VCF-style: chr1-42929783-G-C. GRCh37 (hg19) VCF-style: chr1-43395454-G-C.
Identifiers: ClinVar variation 1320153 (VCV001320153.1), dbSNP rs112081052, ClinGen allele CA21251204.

ClinVar aggregate classification (germline): Likely pathogenic (1 of 4 stars; one submission).

Conditions:
Encephalopathy due to GLUT1 deficiency. Also called: Glucose transporter protein syndrome; GLUT1 deficiency syndrome 1, infantile onset, severe; De Vivo disease; GLUT1 deficiency syndrome 1; Classic Glucose Transporter Type 1 Deficiency Syndrome; GLUCOSE TRANSPORT DEFECT, BLOOD-BRAIN BARRIER. Identifiers: Orphanet 71277, MedGen C4551966, MONDO:0011724, OMIM 606777.

Submission:

3billion
Classification: Likely pathogenic for Encephalopathy due to GLUT1 deficiency. Last evaluated: 2021-10-02. Review status: criteria provided, single submitter. Criteria: ACMG Guidelines, 2015. Collection method: clinical testing. Allele origin: germline. Affected: yes. Observed: 1 heterozygote.
Comment: The variant was observed as assumed (i.e. paternity and maternity not confirmed) de novoo (3billion dataset, PM6). It is not observed in the gnomAD v2.1.1 dataset (PM2).In silico tools predict the variant to alter splicing and produce an abnormal transcript (ADA:0.99, RF 0.954, PP3 ). Patient's phenotype is considered compatible with GLUT1 deficiency syndrome 1, infantile onset, severe (3billion dataset, PP4). Therefore, this variant is classified as likely pathogenic according to the recommendation of ACMG/AMP guideline.